The following is an entry in ClinVar:

NM_007294.4(BRCA1):c.2157dup (p.Glu720fs)

Gene: BRCA1 (BRCA1 DNA repair associated; minus strand). Cytogenetic location: 17q21.31.
Variant type: Duplication.
Coding change: c.2157dup on transcript NM_007294.4 (MANE Select); coding-DNA position 2157, one base duplicated (A; older notation c.2157dupA).
Protein change: p.Glu720fs; shifts the reading frame from glutamic acid 720.
Molecular consequence: frameshift variant. On other transcripts: intron variant (137).
Genome position (GRCh38, 1-based): chr17:43,093,374, T duplicated on the plus strand (A on the coding strand, the reverse complement: BRCA1 is on the minus strand); the first of 3 consecutive T bases (chr17:43,093,374-43,093,376); duplicating any one gives the same sequence. VCF-style (leftmost placement, unchanged base first): chr17-43093373-C-CT. GRCh37 (hg19) VCF-style: chr17-41245390-C-CT.
Other names: 2274insA; c.2157dupA (NM_007294.3); c.1944dup, p.Glu649fs (NM_001407571.1, NM_001407853.1, NM_001407894.1 and 9 more transcripts); c.2157dup, p.Glu720fs (NM_001407581.1, NM_001407582.1, NM_001407583.1 and 30 more transcripts); c.2154dup, p.Glu719fs (NM_001407587.1, NM_001407590.1, NM_001407591.1 and 22 more transcripts); c.2148dup, p.Glu717fs (NM_001407646.1, NM_001407647.1); c.2034dup, p.Glu679fs (NM_001407648.1, NM_001407664.1, NM_001407665.1 and 19 more transcripts); c.2031dup, p.Glu678fs (NM_001407649.1, NM_001407670.1, NM_001407671.1 and 11 more transcripts); and 43 more; short protein forms E720fs, E673fs, E592fs, E672fs, E694fs, E717fs, E424fs, E631fs.
Identifiers: ClinVar variation 54478 (VCV000054478.18), dbSNP rs80357715, ClinGen allele CA267881.

ClinVar aggregate classification (germline): Pathogenic. Review status: reviewed by expert panel (3 of 4 stars). 12 submissions from 12 submitters: Pathogenic (1). 11 of the submissions do not count toward it. Last evaluated 2016-09-08.

Conditions:
Breast and/or ovarian cancer. Identifiers: MedGen CN221562.
Hereditary cancer-predisposing syndrome. Also called: Tumor predisposition; Neoplastic Syndromes, Hereditary; Hereditary Cancer Syndrome; Hereditary neoplastic syndrome. Identifiers: Orphanet 140162, MedGen C0027672, MeSH D009386, MONDO:0015356.
Hereditary breast ovarian cancer syndrome. Also called: Hereditary breast and ovarian cancer syndrome (HBOC); Hereditary breast and ovarian cancer syndrome; Hereditary breast and ovarian cancer; Hereditary breast and/or ovarian cancer syndrome; Breast and ovarian cancer; BRCA1- and BRCA2-Associated Hereditary Breast and Ovarian Cancer. Identifiers: Orphanet 145, MedGen C0677776, MeSH D061325, MONDO:0003582. Disease mechanism: loss of function.
Breast-ovarian cancer, familial, susceptibility to, 1 (BROVCA1). Also called: OVARIAN CANCER, SUSCEPTIBILITY TO; BRCA1 Hereditary Breast and Ovarian Cancer. Identifiers: Orphanet 145, MedGen C2676676, MONDO:0011450, OMIM 604370. Disease mechanism: loss of function.

Submissions (12):

Evidence-based Network for the Interpretation of Germline Mutant Alleles (ENIGMA)
Classification: Pathogenic for Breast-ovarian cancer, familial, susceptibility to, 1. Last evaluated: 2016-09-08. Review status: reviewed by expert panel. Criteria: ENIGMA BRCA1/2 Classification Criteria (2015). Collection method: curation. Allele origin: germline.
Comment: Variant allele predicted to encode a truncated non-functional protein.

Labcorp Genetics (formerly Invitae), Labcorp
Classification: Pathogenic for Hereditary breast ovarian cancer syndrome. Last evaluated: 2025-10-14. Review status: criteria provided, single submitter. Criteria: Invitae Variant Classification Sherloc (09022015). Collection method: clinical testing. Allele origin: germline. Not counted in ClinVar's aggregate classification.
Comment: This sequence change creates a premature translational stop signal (p.Glu720Argfs*6) in the BRCA1 gene. It is expected to result in an absent or disrupted protein product. Loss-of-function variants in BRCA1 are known to be pathogenic (PMID: 20104584). This variant is not present in population databases (gnomAD no frequency). This premature translational stop signal has been observed in individual(s) with breast and/or ovarian cancer (PMID: 15865297, 25556971). This variant is also known as 2274insA. ClinVar contains an entry for this variant (Variation ID: 54478). For these reasons, this variant has been classified as Pathogenic.

Color Diagnostics, LLC DBA Color Health
Classification: Pathogenic for Hereditary cancer-predisposing syndrome. Last evaluated: 2024-03-26. Review status: criteria provided, single submitter. Criteria: ACMG Guidelines, 2015. Collection method: clinical testing. Allele origin: germline. Not counted in ClinVar's aggregate classification.
Comment: This variant inserts 1 nucleotide in exon 10 of the BRCA1 gene, creating a frameshift and premature translation stop signal. This variant is also known as 2274insA, 2276insA, 2276dupA and c.2157_2158insA in the literature. This variant is expected to result in an absent or non-functional protein product. This variant has been detected in at least four individuals affected with breast, ovarian, pancreatic or prostate cancer (PMID: 20727672, 30825404, 35171259, 35698740) and in suspected hereditary breast and ovarian cancer families (PMID: 18489799, 25556971). This variant has not been identified in the general population by the Genome Aggregation Database (gnomAD). Loss of BRCA1 function is a known mechanism of disease. Based on the available evidence, this variant is classified as Pathogenic.

Ambry Genetics
Classification: Pathogenic for Hereditary cancer-predisposing syndrome. Last evaluated: 2023-09-06. Review status: criteria provided, single submitter. Criteria: Ambry Variant Classification Scheme 2023. Collection method: clinical testing. Allele origin: germline. Not counted in ClinVar's aggregate classification.
Comment: The c.2157dupA pathogenic mutation, located in coding exon 9 of the BRCA1 gene, results from a duplication of A at nucleotide position 2157, causing a translational frameshift with a predicted alternate stop codon (p.E720Rfs*6). This alteration has been identified in several studies of individuals with personal and/or family history of hereditary breast and/or ovarian cancer (Grudinina NA et al. Genetika, 2005 Mar;41:405-10; Machackova E et al. BMC Cancer, 2008 May;8:140; Siraj AK et al. Hum Mutat, 2019 Jun;40:729-733; Mehta A et al. J Pathol Transl Med, 2022 Jul;56:212-216; Yin L et al. JAMA Netw Open, 2022 Feb;5:e2148721). This variant is considered to be rare based on population cohorts in the Genome Aggregation Database (gnomAD). In addition to the clinical data presented in the literature, this alteration is expected to result in loss of function by premature protein truncation or nonsense-mediated mRNA decay. As such, this alteration is interpreted as a disease-causing mutation.

All of Us Research Program, National Institutes of Health
Classification: Pathogenic for Breast-ovarian cancer, familial, susceptibility to, 1. Last evaluated: 2023-03-17. Review status: criteria provided, single submitter. Criteria: ACMG Guidelines, 2015. Collection method: clinical testing. Allele origin: germline. Inheritance: Autosomal dominant inheritance. Observed: 1 variant allele, 1 heterozygote. Not counted in ClinVar's aggregate classification.
Comment: This variant is predicted to result in loss of protein function through nonsense-mediated or protein truncation. Loss of function is an established mechanism of disease. This variant has been reported in multiple individuals with hereditary breast and ovarian cancer syndrome (PMID: 18489799, 20727672, 25556971, 26824983, 29446198, 31209999, 35698740). This variant is absent from or rare in large population databases, including the Genome Aggregation Database.

This study involves interpretation of variants in research participants for the purpose of population health screening. Participant phenotype was not available at the time of variant classification. Additional details can be found in publication PMID: 35346344, PMCID: PMC8962531

Women's Health and Genetics/Laboratory Corporation of America, LabCorp
Classification: Pathogenic for Hereditary breast ovarian cancer syndrome. Last evaluated: 2021-04-02. Review status: criteria provided, single submitter. Criteria: LabCorp Variant Classification Summary - May 2015. Collection method: clinical testing. Allele origin: germline. Not counted in ClinVar's aggregate classification.
Comment: Variant summary: BRCA1 c.2157dupA (p.Glu720ArgfsX6) results in a premature termination codon, predicted to cause a truncation of the encoded protein or absence of the protein due to nonsense mediated decay, which are commonly known mechanisms for disease. Truncations downstream of this position have been classified as pathogenic by our laboratory. The variant was absent in 250954 control chromosomes. c.2157dupA has been reported in the literature in multiple individuals affected with Hereditary Breast And Ovarian Cancer Syndrome (example, Rebbeck_2018). To our knowledge, no experimental evidence demonstrating an impact on protein function has been reported. Three clinical diagnostic laboratories one expert panel (ENIGMA) and one consortium (CIMBA) have submitted clinical-significance assessments for this variant to ClinVar after 2014 without evidence for independent evaluation. All submitters classified the variant as pathogenic. Based on the evidence outlined above, the variant was classified as pathogenic.

CHEO Genetics Diagnostic Laboratory, Children's Hospital of Eastern Ontario
Classification: Pathogenic for Breast and/or ovarian cancer. Last evaluated: 2017-08-30. Review status: criteria provided, single submitter. Criteria: ACMG Guidelines, 2015. Collection method: clinical testing. Allele origin: germline. Study: Canadian Open Genetics Repository. Not counted in ClinVar's aggregate classification.

GeneDx
Classification: Pathogenic. Last evaluated: 2016-11-28. Review status: criteria provided, single submitter. Criteria: GeneDx Variant Classification (06012015). Collection method: clinical testing. Allele origin: germline. Affected: yes. Not counted in ClinVar's aggregate classification.
Comment: This duplication of one nucleotide in BRCA1 is denoted c.2157dupA at the cDNA level and p.Glu720ArgfsX6 (E720RfsX6) at the protein level. Using alternate nomenclature, this variant would be defined as BRCA1 2276dupA or 2274insA. The normal sequence, with the base that is duplicated in brackets, is TTAA[dupA]GAAT. The duplication causes a frameshift which changes a Glutamic Acid to an Arginine at codon 720, and creates a premature stop codon at position 6 of the new reading frame. This variant is predicted to cause loss of normal protein function through either protein truncation or nonsense-mediated mRNA decay. BRCA1 c.2157dupA has been reported in association with hereditary breast and ovarian cancer (Machackova 2008, Trujillano 2015). We consider this variant to be pathogenic.

Vantari Genetics
Classification: Pathogenic for Hereditary cancer-predisposing syndrome. Last evaluated: 2015-11-27. Review status: criteria provided, single submitter. Criteria: ACMG Guidelines, 2015. Collection method: clinical testing. Allele origin: germline. Not counted in ClinVar's aggregate classification.

Consortium of Investigators of Modifiers of BRCA1/2 (CIMBA), c/o University of Cambridge
Classification: Pathogenic for Breast-ovarian cancer, familial, susceptibility to, 1. Last evaluated: 2015-10-02. Review status: criteria provided, single submitter. Criteria: CIMBA Mutation Classification guidelines May 2016. Collection method: clinical testing. Allele origin: germline. Not counted in ClinVar's aggregate classification.

Research Molecular Genetics Laboratory, Women's College Hospital, University of Toronto
Classification: Pathogenic for Hereditary breast ovarian cancer syndrome. Last evaluated: 2014-01-31. Review status: no assertion criteria provided. Collection method: research. Allele origin: germline. Affected: yes. Study: The Canadian Open Genetics Repository (COGR). Not counted in ClinVar's aggregate classification.

Breast Cancer Information Core (BIC) (BRCA1)
Classification: Pathogenic for Breast-ovarian cancer, familial 1. Last evaluated: 2004-02-20. Review status: no assertion criteria provided. Collection method: clinical testing. Allele origin: germline. Affected: yes. Observed: 2 variant alleles. Not counted in ClinVar's aggregate classification.

Literature cited by the submitters: PubMed 20104584 (cited by Labcorp Genetics (formerly Invitae), Labcorp); PubMed 15865297 (cited by 3 submitters); PubMed 25556971 (cited by 3 submitters); PubMed 18489799 (cited by 4 submitters); PubMed 20727672 (cited by 3 submitters); PubMed 30825404 (cited by Color Diagnostics, LLC DBA Color Health and Ambry Genetics); PubMed 35171259 (cited by Color Diagnostics, LLC DBA Color Health and Ambry Genetics); PubMed 35698740 (cited by 3 submitters); PubMed 26824983 (cited by All of Us Research Program, National Institutes of Health); PubMed 29446198 (cited by All of Us Research Program, National Institutes of Health and Women's Health and Genetics/Laboratory Corporation of America, LabCorp); PubMed 31209999 (cited by All of Us Research Program, National Institutes of Health); PubMed 8807330 (cited by Women's Health and Genetics/Laboratory Corporation of America, LabCorp); PubMed 12019214 (cited by Women's Health and Genetics/Laboratory Corporation of America, LabCorp); PubMed 21765009 (cited by Women's Health and Genetics/Laboratory Corporation of America, LabCorp).